The following is an entry in ClinVar:

ClinVar aggregate classification (germline): Conflicting classifications of pathogenicity. Review status: criteria provided, conflicting classifications (1 of 4 stars). 8 submissions from 7 submitters: Uncertain significance (7); Likely benign (1). Last evaluated 2026-06-26.

Conditions:
Spinocerebellar ataxia, autosomal recessive, with axonal neuropathy 2 (SCAN2). Also called: Ataxia with Oculomotor Apraxia; ATAXIA-OCULOMOTOR APRAXIA 2; Ataxia with Oculomotor Apraxia Type 2; Ataxia-ocular apraxia-2. Identifiers: Orphanet 64753, MedGen C1853761, MONDO:0018996, OMIM 606002.
Amyotrophic lateral sclerosis type 4 (ALS4). Also called: AMYOTROPHIC LATERAL SCLEROSIS 4, JUVENILE; NEURONOPATHY, DISTAL HEREDITARY MOTOR, WITH PYRAMIDAL FEATURES. Identifiers: Orphanet 357043, MedGen C1865409, MONDO:0011223, OMIM 602433.
Inborn genetic diseases. Identifiers: MedGen C0950123, MeSH D030342.
SETX-related disorder. Also called: SETX-related condition; SETX-related disorders. Identifiers: MedGen CN239403.

Allele frequency attached by ClinVar (database versions not stated): TOPMed 0.00003; 1000 Genomes Project 30x 0.00031; 1000 Genomes Project 0.00040.

Submissions (8):

PreventionGenetics, part of Exact Sciences
Classification: Uncertain significance for SETX-related condition. Last evaluated: 2026-06-26. Review status: criteria provided, single submitter. Criteria: ACMG Guidelines, 2015. Collection method: clinical testing. Allele origin: germline.
Comment: The SETX c.4517T>C variant is predicted to result in the amino acid substitution p.Met1506Thr. This variant has been reported in an individual with amyotrophic lateral sclerosis (Müller et al 2018. PubMed ID: 29650794). This variant is reported in 0.013% of alleles in individuals of South Asian descent in gnomAD. At this time, the clinical significance of this variant is uncertain due to the absence of conclusive functional and genetic evidence.

Labcorp Genetics (formerly Invitae), Labcorp
Classification: Likely benign for Amyotrophic lateral sclerosis type 4; Spinocerebellar ataxia, autosomal recessive, with axonal neuropathy 2. Last evaluated: 2025-09-03. Review status: criteria provided, single submitter. Criteria: Invitae Variant Classification Sherloc (09022015). Collection method: clinical testing. Allele origin: germline.

GeneDx
Classification: Uncertain significance. Last evaluated: 2024-05-18. Review status: criteria provided, single submitter. Criteria: GeneDx Variant Classification Process June 2021. Collection method: clinical testing. Allele origin: germline. Affected: yes.
Comment: In silico analysis supports that this missense variant has a deleterious effect on protein structure/function; This variant is associated with the following publications: (PMID: 29650794)

Blueprint Genetics
Classification: Uncertain significance. Last evaluated: 2023-04-27. Review status: criteria provided, single submitter. Criteria: ACMG Guidelines, 2015. Collection method: clinical testing. Allele origin: germline.

Genome-Nilou Lab
Classification: Uncertain significance for Spinocerebellar ataxia, autosomal recessive, with axonal neuropathy 2. Last evaluated: 2023-02-08. Review status: criteria provided, single submitter. Criteria: ACMG Guidelines, 2015. Collection method: clinical testing. Allele origin: germline.

Genome-Nilou Lab
Classification: Uncertain significance for Amyotrophic lateral sclerosis type 4. Last evaluated: 2023-02-08. Review status: criteria provided, single submitter. Criteria: ACMG Guidelines, 2015. Collection method: clinical testing. Allele origin: germline.

Athena Diagnostics
Classification: Uncertain significance. Last evaluated: 2021-10-06. Review status: criteria provided, single submitter. Criteria: Athena Diagnostics Criteria. Collection method: clinical testing. Allele origin: unknown.

Ambry Genetics
Classification: Uncertain significance for Inborn genetic diseases. Last evaluated: 2020-03-18. Review status: criteria provided, single submitter. Criteria: Ambry Variant Classification Scheme 2023. Collection method: clinical testing. Allele origin: germline.
Comment: The p.M1506T variant (also known as c.4517T>C), located in coding exon 8 of the SETX gene, results from a T to C substitution at nucleotide position 4517. The methionine at codon 1506 is replaced by threonine, an amino acid with similar properties. This amino acid position is highly conserved in available vertebrate species. In addition, the in silico prediction for this alteration is inconclusive. Based on the supporting evidence, this variant is unlikely to be causative of juvenile amyotrophic lateral sclerosis 4 (ALS4); however, its contribution to the development of spinocerebellar ataxia with axonal neuropathy 2 (SCAN2) is uncertain.

Literature cited by the submitters: PubMed 29650794 (cited by Athena Diagnostics).

NM_015046.7(SETX):c.4517T>C (p.Met1506Thr)

Gene: SETX (senataxin; minus strand). Cytogenetic location: 9q34.13.
Variant type: single nucleotide variant.
Coding change: c.4517T>C on transcript NM_015046.7 (MANE Select); coding-DNA position 4517, T replaced by C.
Protein change: p.Met1506Thr; replaces methionine 1506 with threonine.
Molecular consequence: missense variant.
Genome position (GRCh38, 1-based): chr9:132,327,081, A>G on the plus strand (T>C on the coding strand, the complement: SETX is on the minus strand). VCF-style: chr9-132327081-A-G. GRCh37 (hg19) VCF-style: chr9-135202468-A-G.
Other names: c.4517T>C, p.Met1506Thr (NM_001351527.2, NM_001351528.2); short protein forms M1506T.
Identifiers: ClinVar variation 1256252 (VCV001256252.16), dbSNP rs199974622, ClinGen allele CA5297184.
Genomic context (GRCh38, chr9:132,327,081, plus strand): 5'-TTTCCATGAATTAGTTCAATGAGTTTATAATTGTCATTCTCCATTTGTGAACATAAATCC[A>G]TATCTTCAGGATCATTTTGGGTTAAAAATAAGTTATCTTCCTCTGCATCACTGCTGGAGT-3'
Protein context (NP_055861.3, residues 1496-1516): LFLTQNDPED[Met1506Thr]DLCSQMENDN